The following is an entry in ClinVar:

NM_001330617.2(ZNF17):c.828T>C (p.Tyr276=)

Gene: ZNF17 (zinc finger protein 17; plus strand). Cytogenetic location: 19q13.43.
Variant type: single nucleotide variant.
Coding change: c.828T>C on transcript NM_001330617.2 (MANE Select); coding-DNA position 828, T replaced by C.
Protein change: p.Tyr276=; no amino-acid change (tyrosine 276 retained).
Molecular consequence: synonymous variant.
Genome position (GRCh38, 1-based): chr19:57,420,314, T>C. VCF-style: chr19-57420314-T-C. GRCh37 (hg19) VCF-style: chr19-57931682-T-C.
Other names: c.828T>C (NM_001330617.1); c.822T>C, p.Tyr274= (NM_006959.3).
Identifiers: ClinVar variation 2650572 (VCV002650572.25), dbSNP rs112555181, ClinGen allele CA9698663.

ClinVar aggregate classification (germline): Likely benign. Review status: criteria provided, single submitter (1 of 4 stars). 2 submissions from 2 submitters: Likely benign (1). 1 of the submissions does not count toward it. Last evaluated 2022-11-01.

Conditions:
ZNF17-related disorder. Also called: ZNF17-related condition.

Allele frequency attached by ClinVar (database versions not stated): 1000 Genomes Project 30x 0.00094; 1000 Genomes Project 0.00100; ExAC 0.00182; TOPMed 0.00187; ESP Exome Variant Server 0.00200; gnomAD 0.00202; gnomAD exomes 0.00276.
gnomAD v4.1: 4,291 of 1,614,228 alleles (0.27%); highest among the groups gnomAD compares: Non-Finnish European, 0.32%; 18 homozygotes.

Submissions (2):

CeGaT Center for Human Genetics Tuebingen
Classification: Likely benign. Last evaluated: 2022-11-01. Review status: criteria provided, single submitter. Criteria: CeGaT Center For Human Genetics Tuebingen Variant Classification Criteria Version 2. Collection method: clinical testing. Allele origin: germline. Affected: yes. Observed: 1 variant allele.
Comment: ZNF17: BP4, BP7

PreventionGenetics, part of Exact Sciences
Classification: Likely benign for ZNF17-related condition. Last evaluated: 2021-02-03. Review status: no assertion criteria provided. Collection method: clinical testing. Allele origin: germline. Not counted in ClinVar's aggregate classification.
Comment: This variant is classified as likely benign based on ACMG/AMP sequence variant interpretation guidelines (Richards et al. 2015 PMID: 25741868, with internal and published modifications).